The following is an entry in ClinVar:

NM_000288.4(PEX7):c.417+9G>A

Gene: PEX7 (peroxisomal biogenesis factor 7; plus strand). Cytogenetic location: 6q23.3.
Variant type: single nucleotide variant.
Coding change: c.417+9G>A on transcript NM_000288.4 (MANE Select); 9 bases into the intron after coding-DNA position 417, G replaced by A.
Molecular consequence: intron variant.
Genome position (GRCh38, 1-based): chr6:136,845,701, G>A. VCF-style: chr6-136845701-G-A. GRCh37 (hg19) VCF-style: chr6-137166839-G-A.
Identifiers: ClinVar variation 510664 (VCV000510664.11), dbSNP rs766476163, ClinGen allele CA4017596.
Genomic context (GRCh38, chr6:136,845,701, plus strand): 5'-CAGAGGTGAACAGCTTGTGGTGTCTGGCTCATGGGATCAAACTGTCAAATTGGTATGTTA[G>A]CATTATTGTATTCAAAAACGAATATTCCCTTCTCTAGAGCTTCCACTAAATTTTCTTCTC-3'

ClinVar aggregate classification (germline): Likely benign. Review status: criteria provided, multiple submitters, no conflicts (2 of 4 stars). 4 submissions from 4 submitters: Likely benign (4). Last evaluated 2024-12-27.

Conditions:
PEX7-related disorder. Also called: PEX7-related condition; PEX7-related disorders. Identifiers: MedGen CN239409.
Peroxisome biogenesis disorder 9B. Also called: PEX7-Related Refsum Disease; PEROXISOME BIOGENESIS DISORDER, PEX7-RELATED, ATYPICAL; Refsum disease, adult, 2. Identifiers: Orphanet 773, MedGen C2749346, MONDO:0013945, OMIM 614879.

Allele frequency attached by ClinVar (database versions not stated): gnomAD exomes below 0.00001 and 0.00001; ExAC 0.00001; gnomAD 0.00001; TOPMed 0.00002.
gnomAD v4.1: 6 of 1,552,938 alleles (0.00039%); highest among the groups gnomAD compares: African/African-American, 0.0054%; no homozygotes.

Submissions (4):

PreventionGenetics, part of Exact Sciences
Classification: Likely benign for PEX7-related condition. Last evaluated: 2024-12-27. Review status: criteria provided, single submitter. Criteria: ACMG Guidelines, 2015. Collection method: clinical testing. Allele origin: germline.
Comment: This variant is classified as likely benign based on ACMG/AMP sequence variant interpretation guidelines (Richards et al. 2015 PMID: 25741868, with internal and published modifications).

Labcorp Genetics (formerly Invitae), Labcorp
Classification: Likely benign for Peroxisome biogenesis disorder 9B. Last evaluated: 2023-12-12. Review status: criteria provided, single submitter. Criteria: Invitae Variant Classification Sherloc (09022015). Collection method: clinical testing. Allele origin: germline.

Blueprint Genetics
Classification: Likely benign. Last evaluated: 2023-04-28. Review status: criteria provided, single submitter. Criteria: ACMG Guidelines, 2015. Collection method: clinical testing. Allele origin: germline.

GeneDx
Classification: Likely benign. Last evaluated: 2017-07-03. Review status: criteria provided, single submitter. Criteria: GeneDx Variant Classification (06012015). Collection method: clinical testing. Allele origin: germline. Affected: yes.
Comment: This variant is considered likely benign or benign based on one or more of the following criteria: it is a conservative change, it occurs at a poorly conserved position in the protein, it is predicted to be benign by multiple in silico algorithms, and/or has population frequency not consistent with disease.